The following is an entry in ClinVar:

NM_001253697.2(ERBIN):c.3454A>C (p.Ile1152Leu)

Gene: ERBIN (erbb2 interacting protein; plus strand). Cytogenetic location: 5q12.3.
Variant type: single nucleotide variant.
Coding change: c.3454A>C on transcript NM_001253697.2 (MANE Select); coding-DNA position 3454, A replaced by C.
Protein change: p.Ile1152Leu; replaces isoleucine 1152 with leucine.
Molecular consequence: missense variant.
Genome position (GRCh38, 1-based): chr5:66,054,772, A>C. VCF-style: chr5-66054772-A-C. GRCh37 (hg19) VCF-style: chr5-65350600-A-C.
Other names: c.3454A>C, p.Ile1152Leu (NM_001006600.3, NM_001253698.2, NM_001253699.2 and 1 more transcripts); c.3442A>C, p.Ile1148Leu (NM_001253701.2); short protein forms I1148L, I1152L.
Identifiers: ClinVar variation 4776868 (VCV004776868.1).
Genomic context (GRCh38, chr5:66,054,772, plus strand): 5'-TACAGCATAGATGGTCCAAATGCATCAAGACCTCAGAGTGCTCGACCCTCTATTAATGAA[A>C]TACCAGAGAGAACTATGTCAGTTAGTGATTTCAATTATTCACGGACTAGTCCTTCAAAAA-3'
Protein context (NP_001240626.1, residues 1142-1162): PQSARPSINE[Ile1152Leu]PERTMSVSDF

ClinVar aggregate classification (germline): Uncertain significance (1 of 4 stars; one submission).

gnomAD v4.1: 17 of 1,614,162 alleles (0.0011%); highest among the groups gnomAD compares: Non-Finnish European, 0.0014%; no homozygotes.

Submission:

Labcorp Genetics (formerly Invitae), Labcorp
Classification: Uncertain significance. Last evaluated: 2025-09-03. Review status: criteria provided, single submitter. Criteria: Invitae Variant Classification Sherloc (09022015). Collection method: clinical testing. Allele origin: germline.
Comment: This sequence change replaces isoleucine, which is neutral and non-polar, with leucine, which is neutral and non-polar, at codon 1152 of the ERBIN protein (p.Ile1152Leu). This variant is not present in population databases (gnomAD no frequency). This variant has not been reported in the literature in individuals affected with ERBIN-related conditions. An algorithm developed to predict the effect of missense changes on protein structure and function (PolyPhen-2) suggests that this variant is likely to be disruptive. In summary, the available evidence is currently insufficient to determine the role of this variant in disease. Therefore, it has been classified as a Variant of Uncertain Significance.